The following is an entry in ClinVar:

ClinVar aggregate classification (germline): Likely benign. Review status: criteria provided, multiple submitters, no conflicts (2 of 4 stars). 4 submissions from 4 submitters: Likely benign (4). Last evaluated 2025-10-26.

Conditions:
Aortic aneurysm, familial thoracic 4 (AAT4). Also called: AORTIC ANEURYSM/AORTIC DISSECTION AND PATENT DUCTUS ARTERIOSUS. Identifiers: MedGen C1851504, MONDO:0007568, OMIM 132900.
Familial thoracic aortic aneurysm and aortic dissection (TAAD). Also called: Thoracic aortic aneurysms and dissections. Identifiers: Orphanet 91387, MedGen C4707243, MONDO:0019625.

Allele frequency attached by ClinVar (database versions not stated): TOPMed below 0.00001; gnomAD 0.00001.
gnomAD v4.1: 12 of 1,614,050 alleles (0.00074%); highest among the groups gnomAD compares: Non-Finnish European, 0.001%; no homozygotes.

Submissions (4):

Labcorp Genetics (formerly Invitae), Labcorp
Classification: Likely benign for Aortic aneurysm, familial thoracic 4. Last evaluated: 2025-10-26. Review status: criteria provided, single submitter. Criteria: Invitae Variant Classification Sherloc (09022015). Collection method: clinical testing. Allele origin: germline.

All of Us Research Program, National Institutes of Health
Classification: Likely benign for Familial thoracic aortic aneurysm and aortic dissection. Last evaluated: 2024-06-09. Review status: criteria provided, single submitter. Criteria: ACMG Guidelines, 2015. Collection method: clinical testing. Allele origin: germline. Inheritance: Autosomal dominant inheritance. Observed: 6 variant alleles, 6 heterozygotes.
Comment: This study involves interpretation of variants in research participants for the purpose of population health screening. Participant phenotype was not available at the time of variant classification. Additional details can be found in publication PMID: 35346344, PMCID: PMC8962531

Blueprint Genetics
Classification: Likely benign. Last evaluated: 2023-11-07. Review status: criteria provided, single submitter. Criteria: ACMG Guidelines, 2015. Collection method: clinical testing. Allele origin: germline.

Ambry Genetics
Classification: Likely benign for Familial thoracic aortic aneurysm and aortic dissection. Last evaluated: 2021-02-17. Review status: criteria provided, single submitter. Criteria: Ambry Variant Classification Scheme 2023. Collection method: clinical testing. Allele origin: germline.

NM_002474.3(MYH11):c.4056G>T (p.Leu1352=)

Genes: MYH11 (myosin heavy chain 11; minus strand), NDE1 (nudE neurodevelopment protein 1; plus strand). Cytogenetic location: 16p13.11.
Variant type: single nucleotide variant.
Coding change: c.4056G>T on transcript NM_002474.3 (MANE Select); coding-DNA position 4056, G replaced by T.
Protein change: p.Leu1352=; no amino-acid change (leucine 1352 retained).
Molecular consequence: synonymous variant. On other transcripts: 3 prime UTR variant (2).
Genome position (GRCh38, 1-based): chr16:15,724,707, C>A on the plus strand (G>T on the coding strand, the complement: MYH11 is on the minus strand). VCF-style: chr16-15724707-C-A. GRCh37 (hg19) VCF-style: chr16-15818564-C-A.
Other names: c.4077G>T, p.Leu1359= (NM_001040113.2, NM_001040114.2); c.4056G>T, p.Leu1352= (NM_022844.3); c.*456C>A (NM_001143979.2, NM_017668.3).
Identifiers: ClinVar variation 1737413 (VCV001737413.10), dbSNP rs1309442784, ClinGen allele CA494088005.